The following is an entry in ClinVar:

NM_000059.4(BRCA2):c.8632+132dup

Gene: BRCA2 (BRCA2 DNA repair associated; plus strand). Cytogenetic location: 13q13.1.
Variant type: Duplication.
Coding change: c.8632+132dup on transcript NM_000059.4 (MANE Select); 132 bases into the intron after coding-DNA position 8632, one base duplicated (C; older notation c.8632+132dupC).
Molecular consequence: intron variant.
Genome position (GRCh38, 1-based): chr13:32,371,232, C duplicated. VCF-style (leftmost placement, unchanged base first): chr13-32371231-T-TC. GRCh37 (hg19) VCF-style: chr13-32945368-T-TC.
Other names: IVS 20+131insC; c.8632+132dupC (NM_000059.3).
Identifiers: ClinVar variation 209815 (VCV000209815.5), dbSNP rs201392123, ClinGen allele CA276783.
Genomic context (GRCh38, chr13:32,371,231, plus strand): 5'-ACATTTTTAATGAGTAAATTGTTTTTATTTTGAGTAGTAAATTGACTTTATTTTTTAGTA[T>TC]CTAGGGTATTCTTTTTTGGTGTTAGACAAAGAATAGCAACAAGGGACAGAAATATCAGGT-3'

ClinVar aggregate classification (germline): Benign. Review status: reviewed by expert panel (3 of 4 stars). 5 submissions from 5 submitters: Benign (1). 4 of the submissions do not count toward it. Last evaluated 2015-01-12.

Conditions:
Breast-ovarian cancer, familial, susceptibility to, 2 (BROVCA2). Also called: BRCA2 Hereditary Breast and Ovarian Cancer. Identifiers: Orphanet 145, MedGen C2675520, MONDO:0012933, OMIM 612555. Disease mechanism: loss of function.

Allele frequency attached by ClinVar (database versions not stated): gnomAD exomes 0.00062; gnomAD 0.00699 and 0.00742; TOPMed 0.00791; 1000 Genomes Project 0.00899; 1000 Genomes Project 30x 0.00921.

Submissions (5):

Evidence-based Network for the Interpretation of Germline Mutant Alleles (ENIGMA)
Classification: Benign for Breast-ovarian cancer, familial 2. Last evaluated: 2015-01-12. Review status: reviewed by expert panel. Criteria: ENIGMA BRCA1/2 Classification Criteria (2015). Collection method: curation. Allele origin: germline.
Comment: Class 1 not pathogenic based on frequency >1% in an outbred sampleset. Frequency 0.05 (African), derived from 1000 genomes (2012-04-30).

GeneDx
Classification: Likely benign. Last evaluated: 2021-01-09. Review status: criteria provided, single submitter. Criteria: GeneDx Variant Classification Process June 2021. Collection method: clinical testing. Allele origin: germline. Affected: yes. Not counted in ClinVar's aggregate classification.

Department of Pathology and Laboratory Medicine, Sinai Health System
Classification: Likely benign. Last evaluated: 2017-10-25. Review status: criteria provided, single submitter. Criteria: ACMG Guidelines, 2015. Collection method: clinical testing. Allele origin: germline. Affected: yes. Study: Canadian Open Genetics Repository (COGR). Not counted in ClinVar's aggregate classification.

Clinical Genetics DNA and cytogenetics Diagnostics Lab, Erasmus MC, Erasmus Medical Center
Classification: Benign. Review status: no assertion criteria provided. Collection method: clinical testing. Allele origin: germline. Affected: yes. Study: VKGL Data-share Consensus. Not counted in ClinVar's aggregate classification.

Clinical Genetics Laboratory, Department of Pathology, Netherlands Cancer Institute
Classification: Benign. Review status: no assertion criteria provided. Collection method: clinical testing. Allele origin: germline. Affected: yes. Study: VKGL Data-share Consensus. Not counted in ClinVar's aggregate classification.